The following is an entry in ClinVar:

ClinVar aggregate classification (germline): Uncertain significance (1 of 4 stars; one submission).

gnomAD v4.1: 2 of 1,613,758 alleles (0.00012%); highest among the groups gnomAD compares: Non-Finnish European, 0.000085%; no homozygotes.

Submission:

GeneDx
Classification: Uncertain significance. Last evaluated: 2021-02-03. Review status: criteria provided, single submitter. Criteria: GeneDx Variant Classification Process June 2021. Collection method: clinical testing. Allele origin: germline. Affected: yes.
Comment: Not observed in large population cohorts (Lek et al., 2016); In silico analysis supports that this missense variant does not alter protein structure/function; Has not been previously published as pathogenic or benign to our knowledge

NM_178335.3(CCDC50):c.820C>G (p.Arg274Gly)

Gene: CCDC50 (coiled-coil domain containing 50; plus strand). Cytogenetic location: 3q28.
Variant type: single nucleotide variant.
Coding change: c.820C>G on transcript NM_178335.3 (MANE Select); coding-DNA position 820, C replaced by G.
Protein change: p.Arg274Gly; replaces arginine 274 with glycine.
Molecular consequence: missense variant. On other transcripts: intron variant (1).
Genome position (GRCh38, 1-based): chr3:191,375,433, C>G. VCF-style: chr3-191375433-C-G. GRCh37 (hg19) VCF-style: chr3-191093222-C-G.
Other names: c.449-4726C>G (NM_174908.4); short protein forms R274G.
Identifiers: ClinVar variation 1314095 (VCV001314095.2), dbSNP rs762982877, ClinGen allele CA355764551.